The following is an entry in ClinVar:

ClinVar aggregate classification (germline): Likely pathogenic (1 of 4 stars; one submission).

Conditions:
Multicentric osteolysis nodulosis arthropathy spectrum. Identifiers: Orphanet 3460, Orphanet 371428, MedGen C1850155, MONDO:0018298.

Submission:

Laboratory of Medical Genetics, National & Kapodistrian University of Athens
Classification: Likely pathogenic for Multicentric osteolysis, nodulosis, and arthropathy. Last evaluated: 2021-08-10. Review status: criteria provided, single submitter. Criteria: ACMG Guidelines, 2015. Collection method: clinical testing. Allele origin: maternal. Affected: yes.
Comment: PM2, PM3, PM4, PP3

NM_004530.6(MMP2):c.1456TTC[2] (p.Phe488del)

Gene: MMP2 (matrix metallopeptidase 2; plus strand). Cytogenetic location: 16q12.2.
Variant type: Microsatellite.
Coding change: c.1456TTC[2] on transcript NM_004530.6 (MANE Select); two copies in a row of the 3-base unit TTC starting at c.1456; the reference has three copies in a row; one copy, 3 bases deleted; also written c.1462_1464del.
Protein change: p.Phe488del; deletes phenylalanine 488.
Molecular consequence: inframe deletion.
Genome position (GRCh38, 1-based): chr16:55,493,283-55,493,285, TTC deleted; deleting any 3 consecutive bases within chr16:55,493,275-55,493,285 gives the same sequence; the position shown is the placement nearest the transcript's 3' end. VCF-style (leftmost placement, unchanged base first): chr16-55493274-ATCT-A. GRCh37 (hg19) VCF-style: chr16-55527186-ATCT-A.
Other names: c.1462_1464del (NM_004530.6); c.1306TTC[2], p.Phe438del (NM_001127891.3); c.1228TTC[2], p.Phe412del (NM_001302508.1, NM_001302509.2, NM_001302510.2); short protein forms F412del, F438del, F488del.
Identifiers: ClinVar variation 1299551 (VCV001299551.1), dbSNP rs745677721, ClinGen allele CA8060440.